The following is an entry in ClinVar:

NM_000043.6(FAS):c.473C>T (p.Thr158Ile)

Gene: FAS (Fas cell surface death receptor; plus strand). Cytogenetic location: 10q23.31.
Variant type: single nucleotide variant.
Coding change: c.473C>T on transcript NM_000043.6 (MANE Select); coding-DNA position 473, C replaced by T.
Protein change: p.Thr158Ile; replaces threonine 158 with isoleucine.
Molecular consequence: missense variant. On other transcripts: non-coding transcript variant (7).
Genome position (GRCh38, 1-based): chr10:89,010,568, C>T. VCF-style: chr10-89010568-C-T. GRCh37 (hg19) VCF-style: chr10-90770325-C-T.
Other names: c.473C>T, p.Thr158Ile (NM_001320619.2, NM_152871.4, NM_152872.4); c.518C>T, p.Thr173Ile (NM_001410956.1); short protein forms T173I, T158I.
Identifiers: ClinVar variation 2823867 (VCV002823867.3), dbSNP rs1281548561, ClinGen allele CA377508974.

ClinVar aggregate classification (germline): Uncertain significance (1 of 4 stars; one submission).

Conditions:
Autoimmune lymphoproliferative syndrome type 1. Also called: AUTOIMMUNE LYMPHOPROLIFERATIVE SYNDROME, TYPE I, AUTOSOMAL DOMINANT. Identifiers: Orphanet 3261, MedGen C2717884, MONDO:0011158, OMIM 601859.

Allele frequency attached by ClinVar (database versions not stated): gnomAD exomes below 0.00001; gnomAD 0.00001.

Submission:

Labcorp Genetics (formerly Invitae), Labcorp
Classification: Uncertain significance for Autoimmune lymphoproliferative syndrome. Last evaluated: 2023-01-30. Review status: criteria provided, single submitter. Criteria: Invitae Variant Classification Sherloc (09022015). Collection method: clinical testing. Allele origin: germline.
Comment: This variant is present in population databases (no rsID available, gnomAD 0.1%). In summary, the available evidence is currently insufficient to determine the role of this variant in disease. Therefore, it has been classified as a Variant of Uncertain Significance. Advanced modeling of protein sequence and biophysical properties (such as structural, functional, and spatial information, amino acid conservation, physicochemical variation, residue mobility, and thermodynamic stability) performed at Invitae indicates that this missense variant is expected to disrupt FAS protein function. This variant has not been reported in the literature in individuals affected with FAS-related conditions. This sequence change replaces threonine, which is neutral and polar, with isoleucine, which is neutral and non-polar, at codon 158 of the FAS protein (p.Thr158Ile).